The following is an entry in ClinVar:

NM_005911.6(MAT2A):c.1184_1186del (p.Tyr395del)

Genes: GGCX (gamma-glutamyl carboxylase; minus strand), MAT2A (methionine adenosyltransferase 2A; plus strand). Cytogenetic location: 2p11.2.
Variant type: Deletion.
Coding change: c.1184_1186del on transcript NM_005911.6 (MANE Select); coding-DNA positions 1184 to 1186, 3 bases deleted (ATT; older notation c.1184_1186delATT).
Protein change: p.Tyr395del; deletes tyrosine 395.
Genome position (GRCh38, 1-based): chr2:85,543,768-85,543,770, ATT deleted; deleting any 3 consecutive bases within chr2:85,543,767-85,543,770 gives the same sequence; the c. name uses the placement nearest the transcript's 3' end. VCF-style (leftmost placement, unchanged base first): chr2-85543766-ATAT-A. GRCh37 (hg19) VCF-style: chr2-85770889-ATAT-A.
Other names: short protein forms Y395del.
Identifiers: ClinVar variation 3692340 (VCV003692340.2).

ClinVar aggregate classification (germline): Uncertain significance (1 of 4 stars; one submission).

Conditions:
Familial thoracic aortic aneurysm and aortic dissection (TAAD). Also called: Thoracic aortic aneurysms and dissections. Identifiers: Orphanet 91387, MedGen C4707243, MONDO:0019625.

Submission:

Labcorp Genetics (formerly Invitae), Labcorp
Classification: Uncertain significance for Familial thoracic aortic aneurysm and aortic dissection. Last evaluated: 2024-10-25. Review status: criteria provided, single submitter. Criteria: Invitae Variant Classification Sherloc (09022015). Collection method: clinical testing. Allele origin: germline.
Comment: This sequence change creates a premature translational stop signal (p.Tyr395*) in the MAT2A gene. While this is not anticipated to result in nonsense mediated decay, it is expected to disrupt the last 1 amino acid(s) of the MAT2A protein. This variant is not present in population databases (gnomAD no frequency). This variant has not been reported in the literature in individuals affected with MAT2A-related conditions. Experimental studies and prediction algorithms are not available or were not evaluated, and the functional significance of this variant is currently unknown. In summary, the available evidence is currently insufficient to determine the role of this variant in disease. Therefore, it has been classified as a Variant of Uncertain Significance.